The following is an entry in ClinVar:

NM_007194.4(CHEK2):c.1467A>G (p.Glu489=)

Gene: CHEK2 (checkpoint kinase 2; minus strand). Cytogenetic location: 22q12.1.
Variant type: single nucleotide variant.
Coding change: c.1467A>G on transcript NM_007194.4 (MANE Select); coding-DNA position 1467, A replaced by G.
Protein change: p.Glu489=; no amino-acid change (glutamic acid 489 retained).
Molecular consequence: synonymous variant.
Genome position (GRCh38, 1-based): chr22:28,689,210, T>C on the plus strand (A>G on the coding strand, the complement: CHEK2 is on the minus strand). VCF-style: chr22-28689210-T-C. GRCh37 (hg19) VCF-style: chr22-29085198-T-C.
Other names: c.1596A>G, p.Glu532= (NM_001005735.3); c.804A>G, p.Glu268= (NM_001257387.3); c.1266A>G, p.Glu422= (NM_001349956.3); c.1380A>G, p.Glu460= (NM_145862.3).
Identifiers: ClinVar variation 1773270 (VCV001773270.3), dbSNP rs2517758614, ClinGen allele CA513944732.
Genomic context (GRCh38, chr22:28,689,210, plus strand): 5'-GGGTAGAGCTGTGGATTCATTTTCCTCAGACAGAAGATCTTGAAACTTTCTCTTCATGTC[T>C]TCATCCTGTGAGGGAATTAAAAACATAAGTAGCTGTGTCTGAAGGATAATAAACTCCTAG-3'
Protein context (NP_009125.1, residues 479-499): EALRHPWLQD[Glu489=]DMKRKFQDLL

ClinVar aggregate classification (germline): Benign/Likely benign. Review status: criteria provided, multiple submitters, no conflicts (2 of 4 stars). 2 submissions from 2 submitters: Benign (1); Likely benign (1). Last evaluated 2024-10-08.

Conditions:
Hereditary cancer-predisposing syndrome. Also called: Hereditary Cancer Syndrome; Hereditary neoplastic syndrome; Neoplastic Syndromes, Hereditary; Tumor predisposition. Identifiers: Orphanet 140162, MedGen C0027672, MeSH D009386, MONDO:0015356.
Familial cancer of breast. Also called: BREAST CANCER, FAMILIAL; Hereditary breast cancer; hereditary breast carcinoma. Identifiers: Orphanet 227535, MedGen C0346153, MONDO:0016419, OMIM 114480. Disease mechanism: loss of function.

Submissions (2):

Myriad Genetics, Inc.
Classification: Benign for Familial cancer of breast. Last evaluated: 2024-10-08. Review status: criteria provided, single submitter. Criteria: Myriad Autosomal Dominant, Autosomal Recessive and X-Linked Classification Criteria (2023). Collection method: clinical testing. Allele origin: unknown.
Comment: This variant is considered benign. This variant is a silent/synonymous amino acid change and it is not expected to impact splicing.

Ambry Genetics
Classification: Likely benign for Hereditary cancer-predisposing syndrome. Last evaluated: 2021-11-30. Review status: criteria provided, single submitter. Criteria: Ambry Variant Classification Scheme 2023. Collection method: clinical testing. Allele origin: germline.